The following is an entry in ClinVar:

ClinVar aggregate classification (germline): Uncertain significance. Review status: criteria provided, multiple submitters, no conflicts (2 of 4 stars). 2 submissions from 2 submitters: Uncertain significance (2). Last evaluated 2025-05-02.

Conditions:
PLXNA3-related disorder. Also called: PLXNA3-related condition.

Allele frequency attached by ClinVar (database versions not stated): TOPMed 0.00002; gnomAD 0.00004; gnomAD exomes 0.00007; ExAC 0.00008; ESP Exome Variant Server 0.00009.
gnomAD v4.1: 77 of 1,207,235 alleles (0.0064%); highest among the groups gnomAD compares: East Asian, 0.024%; no homozygotes.

Submissions (2):

PreventionGenetics, part of Exact Sciences
Classification: Uncertain significance for PLXNA3-related condition. Last evaluated: 2025-05-02. Review status: criteria provided, single submitter. Criteria: ACMG Guidelines, 2015. Collection method: clinical testing. Allele origin: germline.
Comment: The PLXNA3 c.1768G>A variant is predicted to result in the amino acid substitution p.Gly590Ser. To our knowledge, this variant has not been reported in the literature. This variant is reported in 0.0078% of alleles in individuals of European (Non-Finnish) descent in gnomAD. At this time, the clinical significance of this variant is uncertain due to the absence of conclusive functional and genetic evidence.

Ambry Genetics
Classification: Uncertain significance. Last evaluated: 2023-07-19. Review status: criteria provided, single submitter. Criteria: Ambry Variant Classification Scheme 2023. Collection method: clinical testing. Allele origin: germline.

NM_017514.5(PLXNA3):c.1768G>A (p.Gly590Ser)

Gene: PLXNA3 (plexin A3; plus strand). Cytogenetic location: Xq28.
Variant type: single nucleotide variant.
Coding change: c.1768G>A on transcript NM_017514.5 (MANE Select); coding-DNA position 1768, G replaced by A.
Protein change: p.Gly590Ser; replaces glycine 590 with serine.
Molecular consequence: missense variant.
Genome position (GRCh38, 1-based): chrX:154,464,253, G>A. VCF-style: chrX-154464253-G-A. GRCh37 (hg19) VCF-style: chrX-153692596-G-A.
Other names: short protein forms G590S.
Identifiers: ClinVar variation 2597692 (VCV002597692.4), dbSNP rs376154383, ClinGen allele CA10564168.